The following is an entry in ClinVar:

NM_000321.3(RB1):c.2239G>A (p.Glu747Lys)

Gene: RB1 (RB transcriptional corepressor 1; plus strand). Cytogenetic location: 13q14.2.
Variant type: single nucleotide variant.
Coding change: c.2239G>A on transcript NM_000321.3 (MANE Select); coding-DNA position 2239, G replaced by A.
Protein change: p.Glu747Lys; replaces glutamic acid 747 with lysine.
Molecular consequence: missense variant.
Genome position (GRCh38, 1-based): chr13:48,465,025, G>A. VCF-style: chr13-48465025-G-A. GRCh37 (hg19) VCF-style: chr13-49039161-G-A.
Other names: short protein forms E747K.
Identifiers: ClinVar variation 654305 (VCV000654305.9), dbSNP rs1593539163, ClinGen allele CA388167539.

ClinVar aggregate classification (germline): Uncertain significance. Review status: criteria provided, multiple submitters, no conflicts (2 of 4 stars). 4 submissions from 4 submitters: Uncertain significance (4). Last evaluated 2025-10-29.

Conditions:
Retinoblastoma (RB1). Also called: RETINOBLASTOMA, SOMATIC. Identifiers: Orphanet 790, MedGen C0035335, MeSH D012175, MONDO:0008380, OMIM 180200, HP:0009919. Disease mechanism: loss of function. Inheritance: Both sporadic and heritable forms are tested..

Submissions (4):

Helix
Classification: Uncertain significance for Retinoblastoma. Last evaluated: 2025-10-29. Review status: criteria provided, single submitter. Criteria: ACMG Guidelines, 2015. Collection method: clinical testing. Allele origin: germline. Inheritance: Autosomal dominant inheritance.
Comment: This variant (NM_000321.3:c.2239G>A p.Glu747Lys) results in the substitution of glutamic acid with lysine at codon 747 in the RB1 protein. It is a rare variant that is absent from the large gnomAD population database (PMID: 32461654). To our knowledge, this variant has not been reported in individuals with RB1-related conditions in the published literature. In silico prediction from REVEL (PMID: 27666373) is indeterminate. This variant is present in ClinVar (Variation ID: 654305). In conclusion, since the available evidence is limited, the clinical significance of this variant is unclear at this time. Therefore, it is classified as a Variant of Uncertain Significance.

Color Diagnostics, LLC DBA Color Health
Classification: Uncertain significance for Retinoblastoma. Last evaluated: 2025-09-05. Review status: criteria provided, single submitter. Criteria: ACMG Guidelines, 2015. Collection method: clinical testing. Allele origin: germline.
Comment: This missense variant replaces glutamic acid with lysine at codon 747 of the RB1 protein. Computational prediction suggests that this variant may not impact protein structure and function. To our knowledge, functional studies have not been reported for this variant. This variant has not been reported in individuals affected with RB1-related disorders in the literature. This variant has not been identified in the general population by the Genome Aggregation Database (gnomAD). The available evidence is insufficient to determine the role of this variant in disease conclusively. Therefore, this variant is classified as a Variant of Uncertain Significance.

All of Us Research Program, National Institutes of Health
Classification: Uncertain significance for Retinoblastoma. Last evaluated: 2024-03-05. Review status: criteria provided, single submitter. Criteria: ACMG Guidelines, 2015. Collection method: clinical testing. Allele origin: germline. Inheritance: Autosomal dominant inheritance. Observed: 1 variant allele, 1 heterozygote.
Comment: This study involves interpretation of variants in research participants for the purpose of population health screening. Participant phenotype was not available at the time of variant classification. Additional details can be found in publication PMID: 35346344, PMCID: PMC8962531

Labcorp Genetics (formerly Invitae), Labcorp
Classification: Uncertain significance for Retinoblastoma. Last evaluated: 2018-10-29. Review status: criteria provided, single submitter. Criteria: Invitae Variant Classification Sherloc (09022015). Collection method: clinical testing. Allele origin: germline.
Comment: In summary, the available evidence is currently insufficient to determine the role of this variant in disease. Therefore, it has been classified as a Variant of Uncertain Significance. Algorithms developed to predict the effect of missense changes on protein structure and function (SIFT, PolyPhen-2, Align-GVGD) all suggest that this variant is likely to be tolerated, but these predictions have not been confirmed by published functional studies and their clinical significance is uncertain. This variant has not been reported in the literature in individuals with RB1-related disease. This variant is not present in population databases (ExAC no frequency). This sequence change replaces glutamic acid with lysine at codon 747 of the RB1 protein (p.Glu747Lys). The glutamic acid residue is highly conserved and there is a small physicochemical difference between glutamic acid and lysine.